The following is an entry in ClinVar:

ClinVar aggregate classification (germline): Conflicting classifications of pathogenicity. Review status: criteria provided, conflicting classifications (1 of 4 stars). 2 submissions from 2 submitters: Uncertain significance (1); Likely benign (1). Last evaluated 2023-02-01.

Conditions:
Severe X-linked mitochondrial encephalomyopathy. Also called: ENCEPHALOMYOPATHY, MITOCHONDRIAL, X-LINKED. Identifiers: Orphanet 238329, MedGen C3151753, MONDO:0010437, OMIM 300816.

Allele frequency attached by ClinVar (database versions not stated): TOPMed 0.00033.
gnomAD v4.1: 379 of 755,606 alleles (0.05%); highest among the groups gnomAD compares: Non-Finnish European, 0.07%; 1 homozygote.

Submissions (2):

CeGaT Center for Human Genetics Tuebingen
Classification: Likely benign. Last evaluated: 2023-02-01. Review status: criteria provided, single submitter. Criteria: CeGaT Center For Human Genetics Tuebingen Variant Classification Criteria Version 2. Collection method: clinical testing. Allele origin: germline. Affected: yes. Observed: 1 variant allele.
Comment: AIFM1: BS2

Illumina Laboratory Services, Illumina
Classification: Uncertain significance for Severe X-linked mitochondrial encephalomyopathy. Last evaluated: 2018-01-13. Review status: criteria provided, single submitter. Criteria: ICSL Variant Classification Criteria 13 December 2019. Collection method: clinical testing. Allele origin: germline.

NM_004208.4(AIFM1):c.-90G>C

Genes: RAB33A (RAB33A, member RAS oncogene family; plus strand), AIFM1 (apoptosis inducing factor mitochondria associated 1; minus strand), LOC130068679 (ATAC-STARR-seq lymphoblastoid active region 29939; plus strand). Cytogenetic location: Xq26.1.
Variant type: single nucleotide variant.
Coding change: c.-90G>C on transcript NM_004208.4 (MANE Select); 90 bases upstream of the start codon, G replaced by C.
Molecular consequence: 5 prime UTR variant. On other transcripts: non-coding transcript variant (1).
Genome position (GRCh38, 1-based): chrX:130,165,746, C>G on the plus strand (G>C on the coding strand, the complement: AIFM1 is on the minus strand). VCF-style: chrX-130165746-C-G. GRCh37 (hg19) VCF-style: chrX-129299720-C-G.
Other names: c.-90G>C (NM_001130847.4, NM_145812.3).
Identifiers: ClinVar variation 914371 (VCV000914371.28), dbSNP rs780436043, ClinGen allele CA335110083.